The following is an entry in ClinVar:

NM_000051.4(ATM):c.1607+2dup

Gene: ATM (ATM serine/threonine kinase; plus strand). Cytogenetic location: 11q22.3.
Variant type: Duplication.
Coding change: c.1607+2dup on transcript NM_000051.4 (MANE Select); the canonical splice donor site of the intron after coding-DNA position 1607, one base duplicated (T; older notation c.1607+2dupT).
Molecular consequence: splice donor variant.
Genome position (GRCh38, 1-based): chr11:108,251,074, T duplicated. VCF-style (leftmost placement, unchanged base first): chr11-108251073-G-GT. GRCh37 (hg19) VCF-style: chr11-108121800-G-GT.
Other names: c.1607+2dup (NM_001351834.2).
Identifiers: ClinVar variation 1051134 (VCV001051134.7), dbSNP rs2135328592, ClinGen allele CA2499220567.
Genomic context (GRCh38, chr11:108,251,073, plus strand): 5'-AGTTGAGGTTGACAGAGAATTCTGGAAGTTATTTACTGGGTCAGCCTGCAGACCTTCATG[G>GT]TAAGTTCAGCATGCATTATGTCTGACTTACAGATAAACACACACAGACACACACACACTC-3'

ClinVar aggregate classification (germline): Uncertain significance (1 of 4 stars; one submission).

Conditions:
Ataxia-telangiectasia syndrome (AT). Also called: ATAXIA-TELANGIECTASIA, FRESNO VARIANT; Ataxia-telangiectasia, complementation group E; ATAXIA-TELANGIECTASIA, COMPLEMENTATION GROUP A; LOUIS-BAR SYNDROME; Ataxia-telangiectasia, complementation group D; AT, COMPLEMENTATION GROUP C. Identifiers: Orphanet 100, MedGen C0004135, MONDO:0008840, OMIM 208900.

Submission:

Labcorp Genetics (formerly Invitae), Labcorp
Classification: Uncertain significance for Ataxia-telangiectasia syndrome. Last evaluated: 2020-07-01. Review status: criteria provided, single submitter. Criteria: Invitae Variant Classification Sherloc (09022015). Collection method: clinical testing. Allele origin: germline.
Comment: In summary, the available evidence is currently insufficient to determine the role of this variant in disease. Therefore, it has been classified as a Variant of Uncertain Significance. Nucleotide substitutions within the consensus splice site are a relatively common cause of aberrant splicing (PMID: 17576681, 9536098). Algorithms developed to predict the effect of sequence changes on RNA splicing suggest that this variant may disrupt the consensus splice site, but this prediction has not been confirmed by published transcriptional studies. This variant has not been reported in the literature in individuals with ATM-related conditions. This variant is not present in population databases (ExAC no frequency). This sequence change falls in intron 10 of the ATM gene. It does not directly change the encoded amino acid sequence of the ATM protein, but it affects nucleotides within the consensus splice site of the intron.

Literature cited by the submitters: PubMed 17576681; PubMed 9536098.